The following is an entry in ClinVar:

ClinVar aggregate classification (germline): Uncertain significance (1 of 4 stars; one submission).

Allele frequency attached by ClinVar (database versions not stated): gnomAD exomes below 0.00001.
gnomAD v4.1: 1 of 1,204,784 alleles (0.000083%); highest among the groups gnomAD compares: Non-Finnish European, 0.00011%; no homozygotes.

Submission:

GeneDx
Classification: Uncertain significance. Last evaluated: 2021-02-04. Review status: criteria provided, single submitter. Criteria: GeneDx Variant Classification Process June 2021. Collection method: clinical testing. Allele origin: germline. Affected: yes.
Comment: Not observed in large population cohorts (Lek et al., 2016); In-silico analysis, which includes splice predictors and evolutionary conservation, is inconclusive as to whether the variant alters gene splicing. In the absence of RNA/functional studies, the actual effect of this sequence change is unknown.; Has not been previously published as pathogenic or benign to our knowledge

NM_001323289.2(CDKL5):c.146-11T>G

Gene: CDKL5 (cyclin dependent kinase like 5; plus strand). Cytogenetic location: Xp22.13.
Variant type: single nucleotide variant.
Coding change: c.146-11T>G on transcript NM_001323289.2 (MANE Select); 11 bases into the intron before coding-DNA position 146, T replaced by G.
Molecular consequence: intron variant.
Genome position (GRCh38, 1-based): chrX:18,575,343, T>G. VCF-style: chrX-18575343-T-G. GRCh37 (hg19) VCF-style: chrX-18593463-T-G.
Other names: c.146-11T>G (NM_003159.3, NM_001037343.2).
Identifiers: ClinVar variation 1198156 (VCV001198156.2), dbSNP rs2147139512, ClinGen allele CA2499226531.
Genomic context (GRCh38, chrX:18,575,343, plus strand): 5'-GTTCTTGGAATTCTTTGAATAGTAGCTTGAAAGTTTTCATTTTAGTCTCTTCACCATTGT[T>G]TACATTCTAGAAAATGAAGAAGTCAAAGAAACGACTTTACGAGAGCTTAAAATGCTTCGG-3'